The following is an entry in ClinVar:

ClinVar aggregate classification (germline): Uncertain significance. Review status: criteria provided, multiple submitters, no conflicts (2 of 4 stars). 2 submissions from 2 submitters: Uncertain significance (2). Last evaluated 2025-08-13.

Conditions:
Inborn genetic diseases. Identifiers: MedGen C0950123, MeSH D030342.

Allele frequency attached by ClinVar (database versions not stated): gnomAD exomes below 0.00001.
gnomAD v4.1: 2 of 1,610,090 alleles (0.00012%); highest among the groups gnomAD compares: Non-Finnish European, 0.00017%; no homozygotes.

Submissions (2):

Ambry Genetics
Classification: Uncertain significance for Inborn genetic diseases. Last evaluated: 2025-08-13. Review status: criteria provided, single submitter. Criteria: Ambry Variant Classification Scheme 2023. Collection method: clinical testing. Allele origin: germline.

Labcorp Genetics (formerly Invitae), Labcorp
Classification: Uncertain significance. Last evaluated: 2023-12-01. Review status: criteria provided, single submitter. Criteria: Invitae Variant Classification Sherloc (09022015). Collection method: clinical testing. Allele origin: germline.
Comment: This sequence change replaces lysine, which is basic and polar, with glutamic acid, which is acidic and polar, at codon 801 of the KMT2E protein (p.Lys801Glu). This variant is not present in population databases (gnomAD no frequency). This variant has not been reported in the literature in individuals affected with KMT2E-related conditions. Advanced modeling of protein sequence and biophysical properties (such as structural, functional, and spatial information, amino acid conservation, physicochemical variation, residue mobility, and thermodynamic stability) performed at Invitae indicates that this missense variant is not expected to disrupt KMT2E protein function with a negative predictive value of 80%. In summary, the available evidence is currently insufficient to determine the role of this variant in disease. Therefore, it has been classified as a Variant of Uncertain Significance.

NM_182931.3(KMT2E):c.2401A>G (p.Lys801Glu)

Gene: KMT2E (lysine methyltransferase 2E (inactive); plus strand). Cytogenetic location: 7q22.3.
Variant type: single nucleotide variant.
Coding change: c.2401A>G on transcript NM_182931.3 (MANE Select); coding-DNA position 2401, A replaced by G.
Protein change: p.Lys801Glu; replaces lysine 801 with glutamic acid.
Molecular consequence: missense variant.
Genome position (GRCh38, 1-based): chr7:105,105,643, A>G. VCF-style: chr7-105105643-A-G. GRCh37 (hg19) VCF-style: chr7-104746090-A-G.
Other names: c.2401A>G (NM_182931.2); c.2401A>G, p.Lys801Glu (NM_001410908.1, NM_018682.4); short protein forms K801E.
Identifiers: ClinVar variation 2860653 (VCV002860653.4), dbSNP rs200272564, ClinGen allele CA164017155.